The following is an entry in ClinVar:

NM_003748.4(ALDH4A1):c.67C>T (p.Arg23Trp)

Gene: ALDH4A1 (aldehyde dehydrogenase 4 family member A1; minus strand). Cytogenetic location: 1p36.13.
Variant type: single nucleotide variant.
Coding change: c.67C>T on transcript NM_003748.4 (MANE Select); coding-DNA position 67, C replaced by T.
Protein change: p.Arg23Trp; replaces arginine 23 with tryptophan.
Molecular consequence: missense variant. On other transcripts: 5 prime UTR variant (1).
Genome position (GRCh38, 1-based): chr1:18,890,101, G>A on the plus strand (C>T on the coding strand, the complement: ALDH4A1 is on the minus strand). VCF-style: chr1-18890101-G-A. GRCh37 (hg19) VCF-style: chr1-19216595-G-A.
Other names: c.67C>T (NM_003748.3); c.-114C>T (NM_001161504.2); c.67C>T, p.Arg23Trp (NM_001319218.2, NM_170726.3); short protein forms R23W.
Identifiers: ClinVar variation 1394662 (VCV001394662.9), dbSNP rs778225599, ClinGen allele CA647495.

ClinVar aggregate classification (germline): Uncertain significance. Review status: criteria provided, multiple submitters, no conflicts (2 of 4 stars). 3 submissions from 3 submitters: Uncertain significance (3). Last evaluated 2024-12-02.

Conditions:
Hyperprolinemia type 2 (HYRPRO2). Also called: Deficiency of pyrroline-5-carboxylate reductase; 1-PYRROLINE-5-CARBOXYLATE DEHYDROGENASE DEFICIENCY; Delta-1-pyrroline-5-carboxylate dehydrogenase deficiency. Identifiers: Orphanet 79101, MedGen C2931835, MONDO:0009401, OMIM 239510.

Allele frequency attached by ClinVar (database versions not stated): gnomAD 0.00003 and 0.00006; TOPMed 0.00010; gnomAD exomes 0.00011; ExAC 0.00018.
gnomAD v4.1: 89 of 1,610,386 alleles (0.0055%); highest among the groups gnomAD compares: East Asian, 0.029%; no homozygotes.

Submissions (3):

Labcorp Genetics (formerly Invitae), Labcorp
Classification: Uncertain significance for Hyperprolinemia type 2. Last evaluated: 2024-12-02. Review status: criteria provided, single submitter. Criteria: Invitae Variant Classification Sherloc (09022015). Collection method: clinical testing. Allele origin: germline.
Comment: This sequence change replaces arginine, which is basic and polar, with tryptophan, which is neutral and slightly polar, at codon 23 of the ALDH4A1 protein (p.Arg23Trp). This variant is present in population databases (rs778225599, gnomAD 0.02%). This variant has not been reported in the literature in individuals affected with ALDH4A1-related conditions. ClinVar contains an entry for this variant (Variation ID: 1394662). An algorithm developed to predict the effect of missense changes on protein structure and function outputs the following: PolyPhen-2: "Benign". The tryptophan amino acid residue is found in multiple mammalian species, which suggests that this missense change does not adversely affect protein function. In summary, the available evidence is currently insufficient to determine the role of this variant in disease. Therefore, it has been classified as a Variant of Uncertain Significance.

GeneDx
Classification: Uncertain significance. Last evaluated: 2024-02-02. Review status: criteria provided, single submitter. Criteria: GeneDx Variant Classification Process June 2021. Collection method: clinical testing. Allele origin: germline. Affected: yes.
Comment: In silico analysis supports that this missense variant does not alter protein structure/function; Has not been previously published as pathogenic or benign to our knowledge

Ambry Genetics
Classification: Uncertain significance. Last evaluated: 2024-01-02. Review status: criteria provided, single submitter. Criteria: Ambry Variant Classification Scheme 2023. Collection method: clinical testing. Allele origin: germline.